The following is an entry in ClinVar:

ClinVar aggregate classification (germline): Benign (1 of 4 stars; one submission).

Conditions:
Retinoblastoma (RB1). Also called: RETINOBLASTOMA, SOMATIC. Identifiers: Orphanet 790, MedGen C0035335, MeSH D012175, MONDO:0008380, OMIM 180200, HP:0009919. Disease mechanism: loss of function. Inheritance: Both sporadic and heritable forms are tested..

Submission:

Myriad Genetics, Inc.
Classification: Benign for Retinoblastoma. Last evaluated: 2026-06-24. Review status: criteria provided, single submitter. Criteria: Myriad Autosomal Dominant, Autosomal Recessive and X-Linked Classification Criteria (2023). Collection method: clinical testing. Allele origin: unknown.
Comment: This variant is considered benign. This variant is a silent/synonymous amino acid change and it is not expected to impact splicing.

NM_000321.3(RB1):c.627A>G (p.Glu209=)

Gene: RB1 (RB transcriptional corepressor 1; plus strand). Cytogenetic location: 13q14.2.
Variant type: single nucleotide variant.
Coding change: c.627A>G on transcript NM_000321.3 (MANE Select); coding-DNA position 627, A replaced by G.
Protein change: p.Glu209=; no amino-acid change (glutamic acid 209 retained).
Molecular consequence: synonymous variant.
Genome position (GRCh38, 1-based): chr13:48,360,036, A>G. VCF-style: chr13-48360036-A-G. GRCh37 (hg19) VCF-style: chr13-48934172-A-G.
Other names: c.627A>G, p.Glu209= (NM_001407165.1, NM_001407166.1).
Identifiers: ClinVar variation 4875916 (VCV004875916.1).